The following is an entry in ClinVar:

ClinVar aggregate classification (germline): Benign. Review status: criteria provided, multiple submitters, no conflicts (2 of 4 stars). 3 submissions from 3 submitters: Benign (3). Last evaluated 2024-07-19.

Conditions:
Emery-Dreifuss muscular dystrophy 5, autosomal dominant (EDMD5). Also called: EMERY-DREIFUSS MUSCULAR DYSTROPHY 5. Identifiers: Orphanet 261, MedGen C2751805, MONDO:0013072, OMIM 612999.

Allele frequency attached by ClinVar (database versions not stated): gnomAD 0.00006 and 0.00017; ESP Exome Variant Server 0.00008; gnomAD exomes 0.00043 and 0.00089; 1000 Genomes Project 30x 0.00078; 1000 Genomes Project 0.00100; ExAC 0.00103; TOPMed 0.00005.
gnomAD v4.1: 650 of 1,614,196 alleles (0.04%); highest among the groups gnomAD compares: South Asian, 0.63%; 8 homozygotes.

Submissions (3):

Labcorp Genetics (formerly Invitae), Labcorp
Classification: Benign for Emery-Dreifuss muscular dystrophy 5, autosomal dominant. Last evaluated: 2024-07-19. Review status: criteria provided, single submitter. Criteria: Invitae Variant Classification Sherloc (09022015). Collection method: clinical testing. Allele origin: germline.

CeGaT Center for Human Genetics Tuebingen
Classification: Benign. Last evaluated: 2022-04-01. Review status: criteria provided, single submitter. Criteria: CeGaT Center For Human Genetics Tuebingen Variant Classification Criteria Version 2. Collection method: clinical testing. Allele origin: germline. Affected: yes. Observed: 1 variant allele.
Comment: SYNE2: BS1, BS2

Illumina Laboratory Services, Illumina
Classification: Benign for Emery-Dreifuss muscular dystrophy 5, autosomal dominant. Last evaluated: 2018-01-13. Review status: criteria provided, single submitter. Criteria: ICSL Variant Classification Criteria 13 December 2019. Collection method: clinical testing. Allele origin: germline.
Comment: This variant was observed in the ICSL laboratory as part of a predisposition screen in an ostensibly healthy population. It had not been previously curated by ICSL or reported in the Human Gene Mutation Database (HGMD: prior to June 1st, 2018), and was therefore a candidate for classification through an automated scoring system. Utilizing variant allele frequency, disease prevalence and penetrance estimates, and inheritance mode, an automated score was calculated to assess if this variant is too frequent to cause the disease. Based on the score and internal cut-off values, a variant classified as benign is not then subjected to further curation. The score for this variant resulted in a classification of benign for this disease.

NM_182914.3(SYNE2):c.10582C>G (p.Leu3528Val)

Gene: SYNE2 (spectrin repeat containing nuclear envelope protein 2; plus strand). Cytogenetic location: 14q23.2.
Variant type: single nucleotide variant.
Coding change: c.10582C>G on transcript NM_182914.3 (MANE Select); coding-DNA position 10582, C replaced by G.
Protein change: p.Leu3528Val; replaces leucine 3528 with valine.
Molecular consequence: missense variant.
Genome position (GRCh38, 1-based): chr14:64,070,795, C>G. VCF-style: chr14-64070795-C-G. GRCh37 (hg19) VCF-style: chr14-64537513-C-G.
Other names: c.10582C>G, p.Leu3528Val (NM_015180.6); short protein forms L3528V.
Identifiers: ClinVar variation 313554 (VCV000313554.46), dbSNP rs374649578, ClinGen allele CA7221555.